The following is an entry in ClinVar:

ClinVar aggregate classification (germline): Uncertain significance. Review status: no assertion criteria provided (0 of 4 stars). 2 submissions from 1 submitter: Uncertain significance (1). 1 of the submissions does not count toward it.

Submissions (2):

Richard Lifton Laboratory, Yale University School of Medicine
Classification: Uncertain significance. Review status: no assertion criteria provided. Collection method: not provided. Allele origin: somatic.
Comment: WDR44:p.L613F
ClinVar note: Converted during submission from unknown to Uncertain significance.

Richard Lifton Laboratory, Yale University School of Medicine
Classification: Uncertain significance. Review status: flagged submission. Collection method: not provided. Allele origin: somatic. Not counted in ClinVar's aggregate classification.
ClinVar note: Converted during submission from unknown to Uncertain significance.
ClinVar note: Reason: This record appears to be redundant with a more recent record from the same submitter.
ClinVar note: Notes: SCV000120098 appears to be redundant with SCV000155202.

NM_019045.5(WDR44):c.1837C>T (p.Leu613Phe)

Gene: WDR44 (WD repeat domain 44; plus strand). Cytogenetic location: Xq24.
Variant type: single nucleotide variant.
Coding change: c.1837C>T on transcript NM_019045.5 (MANE Select); coding-DNA position 1837, C replaced by T.
Protein change: p.Leu613Phe; replaces leucine 613 with phenylalanine.
Molecular consequence: missense variant.
Genome position (GRCh38, 1-based): chrX:118,432,880, C>T. VCF-style: chrX-118432880-C-T. GRCh37 (hg19) VCF-style: chrX-117566843-C-T.
Other names: c.1837C>T, p.Leu613Phe (NM_001184965.2); c.1762C>T, p.Leu588Phe (NM_001184966.1); short protein forms L613F, L588F.
Identifiers: ClinVar variation 100873 (VCV000100873.2), dbSNP rs483352750, ClinGen allele CA229173.